The following is an entry in ClinVar:

ClinVar aggregate classification (germline): Uncertain significance. Review status: criteria provided, multiple submitters, no conflicts (2 of 4 stars). 2 submissions from 2 submitters: Uncertain significance (2). Last evaluated 2024-12-30.

Conditions:
Long QT syndrome (LQTS). Identifiers: MedGen C0023976, MeSH D008133, MONDO:0002442. Disease mechanism: loss of function. Inheritance: Various modes of inheritance.
Cardiovascular phenotype. Identifiers: MedGen CN230736.

Allele frequency attached by ClinVar (database versions not stated): gnomAD 0.00001 and 0.00003; TOPMed 0.00004; 1000 Genomes Project 30x 0.00016.

Submissions (2):

Ambry Genetics
Classification: Uncertain significance for Cardiovascular phenotype. Last evaluated: 2024-12-30. Review status: criteria provided, single submitter. Criteria: Ambry Variant Classification Scheme 2023. Collection method: clinical testing. Allele origin: germline.
Comment: The p.A293T variant (also known as c.877G>A), located in coding exon 4 of the KCNH2 gene, results from a G to A substitution at nucleotide position 877. The alanine at codon 293 is replaced by threonine, an amino acid with similar properties, and is located in the N-terminal region of the protein. This amino acid position is not well conserved in available vertebrate species. In addition, the in silico prediction for this alteration is inconclusive. Since supporting evidence is limited at this time, the clinical significance of this alteration remains unclear.

Labcorp Genetics (formerly Invitae), Labcorp
Classification: Uncertain significance for Long QT syndrome. Last evaluated: 2024-11-13. Review status: criteria provided, single submitter. Criteria: Invitae Variant Classification Sherloc (09022015). Collection method: clinical testing. Allele origin: germline.
Comment: This sequence change replaces alanine, which is neutral and non-polar, with threonine, which is neutral and polar, at codon 293 of the KCNH2 protein (p.Ala293Thr). This variant is not present in population databases (gnomAD no frequency). This missense change has been observed in individual(s) with clinical features of long QT syndrome (internal data). ClinVar contains an entry for this variant (Variation ID: 864669). An algorithm developed to predict the effect of missense changes on protein structure and function outputs the following: PolyPhen-2: "Benign". The threonine amino acid residue is found in multiple mammalian species, which suggests that this missense change does not adversely affect protein function. In summary, the available evidence is currently insufficient to determine the role of this variant in disease. Therefore, it has been classified as a Variant of Uncertain Significance.

NM_000238.4(KCNH2):c.877G>A (p.Ala293Thr)

Gene: KCNH2 (potassium voltage-gated channel subfamily H member 2; minus strand). Cytogenetic location: 7q36.1.
Variant type: single nucleotide variant.
Coding change: c.877G>A on transcript NM_000238.4 (MANE Select); coding-DNA position 877, G replaced by A.
Protein change: p.Ala293Thr; replaces alanine 293 with threonine.
Molecular consequence: missense variant.
Genome position (GRCh38, 1-based): chr7:150,958,098, C>T on the plus strand (G>A on the coding strand, the complement: KCNH2 is on the minus strand). VCF-style: chr7-150958098-C-T. GRCh37 (hg19) VCF-style: chr7-150655186-C-T.
Other names: c.589G>A, p.Ala197Thr (NM_001406753.1, NM_001406756.1); c.700G>A, p.Ala234Thr (NM_001406755.1); c.577G>A, p.Ala193Thr (NM_001406757.1); c.877G>A, p.Ala293Thr (NM_172056.3); short protein forms A293T, A234T, A197T, A193T.
Identifiers: ClinVar variation 864669 (VCV000864669.13), dbSNP rs794728362, ClinGen allele CA169081183.
Genomic context (GRCh38, chr7:150,958,098, plus strand): 5'-CGGGTCCCGCGGCGCCCTCACCGGTGCTGGCGTGGCGCGGTGGCGGGGGCAGCACCCCGG[C>T]GCGCATGGCCTCGATGTCGTCGGCCGACGAGGCGCGGCGCACGCTGGCGCAGCTTTCTCG-3'
Protein context (NP_000229.1, residues 283-303): SSADDIEAMR[Ala293Thr]GVLPPPPRHA